The following is an entry in ClinVar:

ClinVar aggregate classification (germline): Uncertain significance (1 of 4 stars; one submission).

Allele frequency attached by ClinVar (database versions not stated): gnomAD exomes below 0.00001 and 0.00002; TOPMed 0.00001; ExAC 0.00002.
gnomAD v4.1: 5 of 1,614,040 alleles (0.00031%); highest among the groups gnomAD compares: East Asian, 0.011%; no homozygotes.

Submission:

Labcorp Genetics (formerly Invitae), Labcorp
Classification: Uncertain significance. Last evaluated: 2021-06-28. Review status: criteria provided, single submitter. Criteria: Invitae Variant Classification Sherloc (09022015). Collection method: clinical testing. Allele origin: germline.
Comment: This sequence change replaces glycine with alanine at codon 791 of the NFKB1 protein (p.Gly791Ala). The glycine residue is highly conserved and there is a small physicochemical difference between glycine and alanine. This variant is present in population databases (rs748652265, ExAC 0.03%). This variant has not been reported in the literature in individuals with NFKB1-related conditions. Algorithms developed to predict the effect of missense changes on protein structure and function are either unavailable or do not agree on the potential impact of this missense change (SIFT: "Deleterious"; PolyPhen-2: "Benign"; Align-GVGD: "Class C0"). In summary, the available evidence is currently insufficient to determine the role of this variant in disease. Therefore, it has been classified as a Variant of Uncertain Significance.

NM_003998.4(NFKB1):c.2372G>C (p.Gly791Ala)

Gene: NFKB1 (nuclear factor kappa B subunit 1; plus strand). Cytogenetic location: 4q24.
Variant type: single nucleotide variant.
Coding change: c.2372G>C on transcript NM_003998.4 (MANE Select); coding-DNA position 2372, G replaced by C.
Protein change: p.Gly791Ala; replaces glycine 791 with alanine.
Molecular consequence: missense variant.
Genome position (GRCh38, 1-based): chr4:102,612,063, G>C. VCF-style: chr4-102612063-G-C. GRCh37 (hg19) VCF-style: chr4-103533220-G-C.
Other names: c.2369G>C, p.Gly790Ala (NM_001165412.2, NM_001319226.2, NM_001382627.1); c.2372G>C, p.Gly791Ala (NM_001382625.1, NM_001382626.1); c.2330G>C, p.Gly777Ala (NM_001382628.1); short protein forms G791A, G790A, G777A.
Identifiers: ClinVar variation 1383863 (VCV001383863.8), dbSNP rs748652265, ClinGen allele CA3026413.